The following is an entry in ClinVar:

GRCh38/hg38 16p13.11(chr16:15187330-16281234)x3

Genes: ABCC1 (ATP binding cassette subfamily C member 1 (ABCC1 blood group); plus strand), ABCC6 (ATP binding cassette subfamily C member 6; minus strand), BMERB1 (bMERB domain containing 1; plus strand), CEP20 (centrosomal protein 20; minus strand), MARF1 (meiosis regulator and mRNA stability factor 1; minus strand) and 23 more. Cytogenetic location: 16p13.11.
Variant type: copy number gain.
Change: copy number 3 (three copies instead of two) of chr16:15,187,330-16,281,234 (1.09 Mb, GRCh38 coordinates, 1-based), cytogenetic band 16p13.11.
Identifiers: ClinVar variation 59272 (VCV000059272.2).

ClinVar aggregate classification (germline): Uncertain significance (1 of 4 stars; one submission).

Submission:

ISCA Site 6
Classification: Uncertain significance. Last evaluated: 2011-08-12. Review status: criteria provided, single submitter. Criteria: Kaminsky et al. (Genet Med. 2011). Collection method: clinical testing. Allele origin: maternal. Affected: yes. Observed: 1 variant allele.
Comment: Copy number variation identified through the course of routine clinical cytogenomic testing in postnatal populations. Clinical assertions have been curated as described in Kaminsky et al. 2011.